The following is an entry in ClinVar:

NM_000089.4(COL1A2):c.3274C>G (p.Pro1092Ala)

Gene: COL1A2 (collagen type I alpha 2 chain; plus strand). Cytogenetic location: 7q21.3.
Variant type: single nucleotide variant.
Coding change: c.3274C>G on transcript NM_000089.4 (MANE Select); coding-DNA position 3274, C replaced by G.
Protein change: p.Pro1092Ala; replaces proline 1092 with alanine.
Molecular consequence: missense variant.
Genome position (GRCh38, 1-based): chr7:94,427,633, C>G. VCF-style: chr7-94427633-C-G. GRCh37 (hg19) VCF-style: chr7-94056945-C-G.
Other names: short protein forms P1092A.
Identifiers: ClinVar variation 3902214 (VCV003902214.1).

ClinVar aggregate classification (germline): Uncertain significance (1 of 4 stars; one submission).

gnomAD v4.1: 6 of 1,614,094 alleles (0.00037%); highest among the groups gnomAD compares: Non-Finnish European, 0.00042%; no homozygotes.

Submission:

Women's Health and Genetics/Laboratory Corporation of America, LabCorp
Classification: Uncertain significance. Last evaluated: 2025-05-14. Review status: criteria provided, single submitter. Criteria: LabCorp Variant Classification Summary - May 2015. Collection method: clinical testing. Allele origin: germline.
Comment: Variant summary: COL1A2 c.3274C>G (p.Pro1092Ala) results in a non-conservative amino acid change in the encoded protein sequence. Algorithms developed to predict the effect of missense changes on protein structure and function are either unavailable or do not agree on the potential impact of this missense change. The variant allele was found at a frequency of 4e-06 in 251316 control chromosomes. The available data on variant occurrences in the general population are insufficient to allow any conclusion about variant significance. To our knowledge, no occurrence of c.3274C>G in individuals affected with Ehlers-Danlos syndrome, cardiac valvular type and no experimental evidence demonstrating its impact on protein function have been reported. No submitters have cited clinical-significance assessments for this variant to ClinVar. Based on the evidence outlined above, the variant was classified as uncertain significance.